The following is an entry in ClinVar:

NM_201384.3(PLEC):c.8390T>C (p.Ile2797Thr)

Gene: PLEC (plectin; minus strand). Cytogenetic location: 8q24.3.
Variant type: single nucleotide variant.
Coding change: c.8390T>C on transcript NM_201384.3 (MANE Select); coding-DNA position 8390, T replaced by C.
Protein change: p.Ile2797Thr; replaces isoleucine 2797 with threonine.
Molecular consequence: missense variant.
Genome position (GRCh38, 1-based): chr8:143,921,431, A>G on the plus strand (T>C on the coding strand, the complement: PLEC is on the minus strand). VCF-style: chr8-143921431-A-G. GRCh37 (hg19) VCF-style: chr8-144995599-A-G.
Other names: c.8390T>C, p.Ile2797Thr (NM_201382.4); c.8402T>C, p.Ile2801Thr (NM_201383.3); c.8471T>C, p.Ile2824Thr (NM_000445.5); c.5090T>C, p.Ile1697Thr (NM_001410941.1); c.8348T>C, p.Ile2783Thr (NM_201378.4); c.8324T>C, p.Ile2775Thr (NM_201379.3); c.8801T>C, p.Ile2934Thr (NM_201380.4); c.8294T>C, p.Ile2765Thr (NM_201381.3); short protein forms I2765T, I2824T, I2775T, I2783T, I2797T, I2801T, I2934T, I1697T.
Identifiers: ClinVar variation 1902549 (VCV001902549.5), dbSNP rs2537470488, ClinGen allele CA372516132.

ClinVar aggregate classification (germline): Uncertain significance (1 of 4 stars; one submission).

Conditions:
Epidermolysis bullosa simplex 5B, with muscular dystrophy (EBS5B). Also called: EPIDERMOLYSIS BULLOSA SIMPLEX AND LIMB-GIRDLE MUSCULAR DYSTROPHY; Epidermolysis bullosa simplex with muscular dystrophy. Identifiers: Orphanet 257, MedGen C2931072, MONDO:0009181, OMIM 226670.
Epidermolysis bullosa simplex, Ogna type (EBS5A). Also called: Pidermolysis bullosa simplex 5A, Ogna type; EPIDERMOLYSIS BULLOSA SIMPLEX 5A, OGNA TYPE. Identifiers: Orphanet 79401, MedGen C0432317, MONDO:0007555, OMIM 131950.
Epidermolysis bullosa simplex with nail dystrophy (EBS5D). Identifiers: MedGen C4225309, MONDO:0014661, OMIM 616487.
Autosomal recessive limb-girdle muscular dystrophy type 2Q (LGMDR17). Also called: MUSCULAR DYSTROPHY, LIMB-GIRDLE, AUTOSOMAL RECESSIVE 17. Identifiers: Orphanet 254361, MedGen C3150989, MONDO:0013390, OMIM 613723.
Epidermolysis bullosa simplex 5C, with pyloric atresia (EBS5C). Also called: PLEC1-Related Epidermolysis Bullosa with Pyloric Atresia; Epidermolysis bullosa simplex with pyloric atresia; PLEC-Related Epidermolysis Bullosa with Pyloric Atresia. Identifiers: Orphanet 158684, MedGen C2677349, MONDO:0012807, OMIM 612138.

gnomAD v4.1: 2 of 1,613,448 alleles (0.00012%); highest among the groups gnomAD compares: South Asian, 0.0022%; no homozygotes.

Submission:

Labcorp Genetics (formerly Invitae), Labcorp
Classification: Uncertain significance for Autosomal recessive limb-girdle muscular dystrophy type 2Q; Epidermolysis bullosa simplex, Ogna type; Epidermolysis bullosa simplex with nail dystrophy; Epidermolysis bullosa simplex 5C, with pyloric atresia; Epidermolysis bullosa simplex 5B, with muscular dystrophy. Last evaluated: 2022-03-13. Review status: criteria provided, single submitter. Criteria: Invitae Variant Classification Sherloc (09022015). Collection method: clinical testing. Allele origin: germline.
Comment: In summary, the available evidence is currently insufficient to determine the role of this variant in disease. Therefore, it has been classified as a Variant of Uncertain Significance. Algorithms developed to predict the effect of missense changes on protein structure and function (SIFT, PolyPhen-2, Align-GVGD) all suggest that this variant is likely to be disruptive. This sequence change replaces isoleucine, which is neutral and non-polar, with threonine, which is neutral and polar, at codon 2824 of the PLEC protein (p.Ile2824Thr). This variant is not present in population databases (gnomAD no frequency). This variant has not been reported in the literature in individuals affected with PLEC-related conditions.